The following is an entry in ClinVar:

ClinVar aggregate classification (germline): Likely benign (1 of 4 stars; one submission).

gnomAD v4.1: 1 of 1,211,406 alleles (0.000083%); highest among the groups gnomAD compares: Non-Finnish European, 0.00011%; no homozygotes.

Submission:

CeGaT Center for Human Genetics Tuebingen
Classification: Likely benign. Last evaluated: 2024-07-01. Review status: criteria provided, single submitter. Criteria: CeGaT Center For Human Genetics Tuebingen Variant Classification Criteria Version 2. Collection method: clinical testing. Allele origin: germline. Affected: yes. Observed: 1 variant allele.
Comment: CLCN4: BP4, BP7

NM_001830.4(CLCN4):c.1065C>T (p.Ala355=)

Gene: CLCN4 (Cl-/H+ antiporter 4; plus strand). Cytogenetic location: Xp22.2.
Variant type: single nucleotide variant.
Coding change: c.1065C>T on transcript NM_001830.4 (MANE Select); coding-DNA position 1065, C replaced by T.
Protein change: p.Ala355=; no amino-acid change (alanine 355 retained).
Molecular consequence: synonymous variant.
Genome position (GRCh38, 1-based): chrX:10,208,266, C>T. VCF-style: chrX-10208266-C-T. GRCh37 (hg19) VCF-style: chrX-10176306-C-T.
Other names: c.783C>T, p.Ala261= (NM_001256944.2).
Identifiers: ClinVar variation 3257259 (VCV003257259.17).